The following is an entry in ClinVar:

NM_000426.4(LAMA2):c.7280del (p.Leu2427fs)

Gene: LAMA2 (laminin subunit alpha 2; plus strand). Cytogenetic location: 6q22.33.
Variant type: Deletion.
Coding change: c.7280del on transcript NM_000426.4 (MANE Select); coding-DNA position 7280, one base deleted (T; older notation c.7280delT).
Protein change: p.Leu2427fs; shifts the reading frame from leucine 2427.
Molecular consequence: frameshift variant.
Genome position (GRCh38, 1-based): chr6:129,465,269, T deleted. VCF-style (leftmost placement, unchanged base first): chr6-129465268-CT-C. GRCh37 (hg19) VCF-style: chr6-129786413-CT-C.
Other names: c.7280del, p.Leu2427fs (NM_001079823.2); short protein forms L2427fs.
Identifiers: ClinVar variation 2737590 (VCV002737590.3), dbSNP rs2533443782, ClinGen allele CA2697553711.

ClinVar aggregate classification (germline): Pathogenic (1 of 4 stars; one submission).

Conditions:
LAMA2-related muscular dystrophy (LAMA2-RD). Also called: Laminin alpha 2-related dystrophy. Identifiers: MedGen C5679788, MONDO:0100228.

Submission:

Labcorp Genetics (formerly Invitae), Labcorp
Classification: Pathogenic for LAMA2-related muscular dystrophy. Last evaluated: 2022-11-12. Review status: criteria provided, single submitter. Criteria: Invitae Variant Classification Sherloc (09022015). Collection method: clinical testing. Allele origin: germline.
Comment: This sequence change creates a premature translational stop signal (p.Leu2427Argfs*13) in the LAMA2 gene. It is expected to result in an absent or disrupted protein product. Loss-of-function variants in LAMA2 are known to be pathogenic (PMID: 18700894, 32904964). This variant is not present in population databases (gnomAD no frequency). This variant has not been reported in the literature in individuals affected with LAMA2-related conditions. Algorithms developed to predict the effect of sequence changes on RNA splicing suggest that this variant may create or strengthen a splice site. For these reasons, this variant has been classified as Pathogenic.

Literature cited by the submitters: PubMed 18700894; PubMed 32904964.